The following is an entry in ClinVar:

ClinVar aggregate classification (germline): Uncertain significance (1 of 4 stars; one submission).

Conditions:
Primary ciliary dyskinesia. Also called: Ciliary dyskinesia. Identifiers: Orphanet 244, MedGen C0008780, MONDO:0016575, HP:0012265.

Submission:

Labcorp Genetics (formerly Invitae), Labcorp
Classification: Uncertain significance for Primary ciliary dyskinesia. Last evaluated: 2024-03-25. Review status: criteria provided, single submitter. Criteria: Invitae Variant Classification Sherloc (09022015). Collection method: clinical testing. Allele origin: germline.
Comment: This sequence change falls in intron 54 of the DNAH5 gene. It does not directly change the encoded amino acid sequence of the DNAH5 protein. It affects a nucleotide within the consensus splice site. This variant is not present in population databases (gnomAD no frequency). This variant has not been reported in the literature in individuals affected with DNAH5-related conditions. Variants that disrupt the consensus splice site are a relatively common cause of aberrant splicing (PMID: 17576681, 9536098). Algorithms developed to predict the effect of sequence changes on RNA splicing suggest that this variant may disrupt the consensus splice site. In summary, the available evidence is currently insufficient to determine the role of this variant in disease. Therefore, it has been classified as a Variant of Uncertain Significance.

Literature cited by the submitters: PubMed 17576681; PubMed 9536098.

NM_001369.3(DNAH5):c.9105+5G>C

Gene: DNAH5 (dynein axonemal heavy chain 5; minus strand). Cytogenetic location: 5p15.2.
Variant type: single nucleotide variant.
Coding change: c.9105+5G>C on transcript NM_001369.3 (MANE Select); 5 bases into the intron after coding-DNA position 9105, G replaced by C.
Molecular consequence: intron variant.
Genome position (GRCh38, 1-based): chr5:13,777,197, C>G on the plus strand (G>C on the coding strand, the complement: DNAH5 is on the minus strand). VCF-style: chr5-13777197-C-G. GRCh37 (hg19) VCF-style: chr5-13777306-C-G.
Identifiers: ClinVar variation 3611392 (VCV003611392.2).
Genomic context (GRCh38, chr5:13,777,197, plus strand): 5'-TGTAGAGCTCTAAGCTGGAGGAAATCTGAAGGGATAAAACACATAAAGAATAAATGAGCT[C>G]CTACCTCACCTGATGATAAAACATTGTTCATATATTCCAAAAATGACTCATCTTTAATCT-3'